The following is an entry in ClinVar:

NM_000059.4(BRCA2):c.6757C>T (p.Leu2253Phe)

Gene: BRCA2 (BRCA2 DNA repair associated; plus strand). Cytogenetic location: 13q13.1.
Variant type: single nucleotide variant.
Coding change: c.6757C>T on transcript NM_000059.4 (MANE Select); coding-DNA position 6757, C replaced by T.
Protein change: p.Leu2253Phe; replaces leucine 2253 with phenylalanine.
Molecular consequence: missense variant.
Genome position (GRCh38, 1-based): chr13:32,341,112, C>T. VCF-style: chr13-32341112-C-T. GRCh37 (hg19) VCF-style: chr13-32915249-C-T.
Other names: c.6757C>T, p.Leu2253Phe (NM_001406719.1, NM_001406720.1); short protein forms L2253F.
Identifiers: ClinVar variation 1755259 (VCV001755259.8), dbSNP rs1555284846, ClinGen allele CA387791168.

ClinVar aggregate classification (germline): Conflicting classifications of pathogenicity. Review status: criteria provided, conflicting classifications (1 of 4 stars). 4 submissions from 4 submitters: Uncertain significance (2); Likely benign (2). Last evaluated 2025-08-28.

Conditions:
Hereditary breast ovarian cancer syndrome. Also called: Hereditary breast and ovarian cancer syndrome; Breast and ovarian cancer; Hereditary breast and/or ovarian cancer syndrome; Hereditary breast and ovarian cancer; BRCA1- and BRCA2-Associated Hereditary Breast and Ovarian Cancer; Hereditary breast and ovarian cancer syndrome (HBOC). Identifiers: Orphanet 145, MedGen C0677776, MeSH D061325, MONDO:0003582. Disease mechanism: loss of function.
Hereditary cancer-predisposing syndrome. Also called: Neoplastic Syndromes, Hereditary; Tumor predisposition; Hereditary neoplastic syndrome; Hereditary Cancer Syndrome. Identifiers: Orphanet 140162, MedGen C0027672, MeSH D009386, MONDO:0015356.
Breast-ovarian cancer, familial, susceptibility to, 2 (BROVCA2). Also called: BRCA2 Hereditary Breast and Ovarian Cancer. Identifiers: Orphanet 145, MedGen C2675520, MONDO:0012933, OMIM 612555. Disease mechanism: loss of function.

Submissions (4):

Labcorp Genetics (formerly Invitae), Labcorp
Classification: Likely benign for Hereditary breast ovarian cancer syndrome. Last evaluated: 2025-08-28. Review status: criteria provided, single submitter. Criteria: Invitae Variant Classification Sherloc (09022015). Collection method: clinical testing. Allele origin: germline.

All of Us Research Program, National Institutes of Health
Classification: Uncertain significance for Breast-ovarian cancer, familial, susceptibility to, 2. Last evaluated: 2023-06-27. Review status: criteria provided, single submitter. Criteria: ACMG Guidelines, 2015. Collection method: clinical testing. Allele origin: germline. Inheritance: Autosomal dominant inheritance. Observed: 1 variant allele, 1 heterozygote.
Comment: This study involves interpretation of variants in research participants for the purpose of population health screening. Participant phenotype was not available at the time of variant classification. Additional details can be found in publication PMID: 35346344, PMCID: PMC8962531

University of Washington Department of Laboratory Medicine, University of Washington
Classification: Likely benign for Hereditary cancer-predisposing syndrome. Last evaluated: 2023-03-23. Review status: criteria provided, single submitter. Criteria: Dines et al. (Genet Med. 2020). Collection method: curation. Allele origin: germline.
Comment: Missense variant in a coldspot region where missense variants are very unlikely to be pathogenic (PMID:31911673).

BRCA2 exon 11 coldspot. Reclassification based on statistical prior probability.

Ambry Genetics
Classification: Uncertain significance for Hereditary cancer-predisposing syndrome. Last evaluated: 2020-10-20. Review status: criteria provided, single submitter. Criteria: Ambry Variant Classification Scheme 2023. Collection method: clinical testing. Allele origin: germline.
Comment: The p.L2253F variant (also known as c.6757C>T), located in coding exon 10 of the BRCA2 gene, results from a C to T substitution at nucleotide position 6757. The leucine at codon 2253 is replaced by phenylalanine, an amino acid with highly similar properties. This amino acid position is not well conserved in available vertebrate species. In addition, this alteration is predicted to be tolerated by in silico analysis. Since supporting evidence is limited at this time, the clinical significance of this alteration remains unclear.